The following is an entry in ClinVar:

ClinVar aggregate classification (germline): Pathogenic (1 of 4 stars; one submission).

Conditions:
Pyruvate carboxylase deficiency. Also called: PC DEFICIENCY; ATAXIA WITH LACTIC ACIDOSIS II; LEIGH NECROTIZING ENCEPHALOPATHY DUE TO PYRUVATE CARBOXYLASE DEFICIENCY; LEIGH SYNDROME DUE TO PYRUVATE CARBOXYLASE DEFICIENCY; Pyruvate Carboxylase Deficiency Disease. Identifiers: Orphanet 3008, MedGen C0034341, MONDO:0009949, OMIM 266150.

Submission:

Labcorp Genetics (formerly Invitae), Labcorp
Classification: Pathogenic for Pyruvate carboxylase deficiency. Last evaluated: 2023-02-11. Review status: criteria provided, single submitter. Criteria: Invitae Variant Classification Sherloc (09022015). Collection method: clinical testing. Allele origin: germline.
Comment: This sequence change creates a premature translational stop signal (p.Ser719Cysfs*28) in the PC gene. It is expected to result in an absent or disrupted protein product. Loss-of-function variants in PC are known to be pathogenic (PMID: 12112657, 19306334). This variant is not present in population databases (gnomAD no frequency). This variant has not been reported in the literature in individuals affected with PC-related conditions. ClinVar contains an entry for this variant (Variation ID: 1076206). For these reasons, this variant has been classified as Pathogenic.

Literature cited by the submitters: PubMed 12112657; PubMed 19306334.

NM_001040716.2(PC):c.2156_2159del (p.Ser719fs)

Gene: PC (pyruvate carboxylase; minus strand). Cytogenetic location: 11q13.2.
Variant type: Deletion.
Coding change: c.2156_2159del on transcript NM_001040716.2 (MANE Select); coding-DNA positions 2156 to 2159, 4 bases deleted (CACT; older notation c.2156_2159delCACT).
Protein change: p.Ser719fs; shifts the reading frame from serine 719.
Molecular consequence: frameshift variant.
Genome position (GRCh38, 1-based): chr11:66,851,104-66,851,107, AGTG deleted on the plus strand (CACT on the coding strand, the reverse complement: PC is on the minus strand); deleting any 4 consecutive bases within chr11:66,851,104-66,851,110 gives the same sequence; the c. name uses the placement nearest the transcript's 3' end. VCF-style (leftmost placement, unchanged base first): chr11-66851103-CAGTG-C. GRCh37 (hg19) VCF-style: chr11-66618574-CAGTG-C.
Other names: c.2156_2159del, p.Ser719fs (NM_000920.4, NM_022172.3); short protein forms S719fs.
Identifiers: ClinVar variation 1076206 (VCV001076206.7), dbSNP rs2135803326, ClinGen allele CA2499221220.